The following is an entry in ClinVar:

ClinVar aggregate classification (germline): Uncertain significance (1 of 4 stars; one submission).

Conditions:
Nemaline myopathy 2 (NEM2). Also called: Nemaline myopathy 2, autosomal recessive. Identifiers: MedGen C1850569, MONDO:0009725, OMIM 256030.

Allele frequency attached by ClinVar (database versions not stated): gnomAD 0.00001.
gnomAD v4.1: 1 of 1,608,362 alleles (0.000062%); highest among the groups gnomAD compares: Non-Finnish European, 0.000085%; no homozygotes.

Submission:

Labcorp Genetics (formerly Invitae), Labcorp
Classification: Uncertain significance for Nemaline myopathy 2. Last evaluated: 2022-03-19. Review status: criteria provided, single submitter. Criteria: Invitae Variant Classification Sherloc (09022015). Collection method: clinical testing. Allele origin: germline.
Comment: This sequence change replaces aspartic acid, which is acidic and polar, with glutamic acid, which is acidic and polar, at codon 1801 of the NEB protein (p.Asp1801Glu). This variant is present in population databases (no rsID available, gnomAD 0.007%). This variant has not been reported in the literature in individuals affected with NEB-related conditions. Algorithms developed to predict the effect of missense changes on protein structure and function are either unavailable or do not agree on the potential impact of this missense change (SIFT: "Deleterious"; PolyPhen-2: "Not Available"; Align-GVGD: "Class C0"). In summary, the available evidence is currently insufficient to determine the role of this variant in disease. Therefore, it has been classified as a Variant of Uncertain Significance.

NM_001164508.2(NEB):c.5403T>G (p.Asp1801Glu)

Gene: NEB (nebulin; minus strand). Cytogenetic location: 2q23.3.
Variant type: single nucleotide variant.
Coding change: c.5403T>G on transcript NM_001164508.2 (MANE Select); coding-DNA position 5403, T replaced by G.
Protein change: p.Asp1801Glu; replaces aspartic acid 1801 with glutamic acid.
Molecular consequence: missense variant.
Genome position (GRCh38, 1-based): chr2:151,664,549, A>C on the plus strand (T>G on the coding strand, the complement: NEB is on the minus strand). VCF-style: chr2-151664549-A-C. GRCh37 (hg19) VCF-style: chr2-152521063-A-C.
Other names: c.5403T>G, p.Asp1801Glu (NM_001164507.2, NM_001271208.2, NM_004543.5); short protein forms D1801E.
Identifiers: ClinVar variation 2114645 (VCV002114645.1), dbSNP rs1485835913, ClinGen allele CA348810512.